The following is an entry in ClinVar:

NM_015122.3(FCHO1):c.431G>A (p.Arg144His)

Gene: FCHO1 (FCH and mu domain containing endocytic adaptor 1; plus strand). Cytogenetic location: 19p13.11.
Variant type: single nucleotide variant.
Coding change: c.431G>A on transcript NM_015122.3 (MANE Select); coding-DNA position 431, G replaced by A.
Protein change: p.Arg144His; replaces arginine 144 with histidine.
Molecular consequence: missense variant. On other transcripts: non-coding transcript variant (36).
Genome position (GRCh38, 1-based): chr19:17,770,519, G>A. VCF-style: chr19-17770519-G-A. GRCh37 (hg19) VCF-style: chr19-17881328-G-A.
Other names: c.431G>A, p.Arg144His (NM_001161357.2, NM_001161358.2, NM_001384370.1 and 26 more transcripts); c.281G>A, p.Arg94His (NM_001161359.2, NM_001384384.1, NM_001384385.1 and 3 more transcripts); c.392G>A, p.Arg131His (NM_001384388.1, NM_001384389.1, NM_001384405.1); c.356G>A, p.Arg119His (NM_001384390.1); short protein forms R131H, R94H, R119H, R144H.
Identifiers: ClinVar variation 1399678 (VCV001399678.3), dbSNP rs767793852, ClinGen allele CA9300086.

ClinVar aggregate classification (germline): Uncertain significance (1 of 4 stars; one submission).

Allele frequency attached by ClinVar (database versions not stated): gnomAD exomes 0.00001; TOPMed 0.00001.

Submission:

Labcorp Genetics (formerly Invitae), Labcorp
Classification: Uncertain significance. Last evaluated: 2021-08-23. Review status: criteria provided, single submitter. Criteria: Invitae Variant Classification Sherloc (09022015). Collection method: clinical testing. Allele origin: germline.
Comment: This sequence change replaces arginine with histidine at codon 144 of the FCHO1 protein (p.Arg144His). The arginine residue is moderately conserved and there is a small physicochemical difference between arginine and histidine. This variant is present in population databases (rs767793852, ExAC 0.002%). This variant has not been reported in the literature in individuals affected with FCHO1-related conditions. Algorithms developed to predict the effect of missense changes on protein structure and function are either unavailable or do not agree on the potential impact of this missense change (SIFT: "Deleterious"; PolyPhen-2: "Possibly Damaging"; Align-GVGD: "Class C0"). In summary, the available evidence is currently insufficient to determine the role of this variant in disease. Therefore, it has been classified as a Variant of Uncertain Significance.